The following is an entry in ClinVar:

ClinVar aggregate classification (germline): Uncertain significance (1 of 4 stars; one submission).

Conditions:
Inborn genetic diseases. Identifiers: MedGen C0950123, MeSH D030342.

Submission:

Ambry Genetics
Classification: Uncertain significance for Inborn genetic diseases. Last evaluated: 2021-12-11. Review status: criteria provided, single submitter. Criteria: Ambry Variant Classification Scheme 2023. Collection method: clinical testing. Allele origin: germline.
Comment: The p.S360R variant (also known as c.1080T>G), located in coding exon 9 of the ACD gene, results from a T to G substitution at nucleotide position 1080. The serine at codon 360 is replaced by arginine, an amino acid with dissimilar properties. This amino acid position is conserved. In addition, this alteration is predicted to be tolerated by in silico analysis. Since supporting evidence is limited at this time, the clinical significance of this alteration remains unclear.

NM_001082486.2(ACD):c.822T>G (p.Ser274Arg)

Gene: ACD (ACD shelterin complex subunit and telomerase recruitment factor; minus strand). Cytogenetic location: 16q22.1.
Variant type: single nucleotide variant.
Coding change: c.822T>G on transcript NM_001082486.2 (MANE Select); coding-DNA position 822, T replaced by G.
Protein change: p.Ser274Arg; replaces serine 274 with arginine.
Molecular consequence: missense variant.
Genome position (GRCh38, 1-based): chr16:67,658,562, A>C on the plus strand (T>G on the coding strand, the complement: ACD is on the minus strand). VCF-style: chr16-67658562-A-C. GRCh37 (hg19) VCF-style: chr16-67692465-A-C.
Other names: c.813T>G, p.Ser271Arg (NM_022914.3); short protein forms S271R, S274R.
Identifiers: ClinVar variation 1786461 (VCV001786461.2), dbSNP rs2543601029, ClinGen allele CA396353131.